The following is an entry in ClinVar:

NM_018489.3(ASH1L):c.183G>A (p.Gly61=)

Gene: ASH1L (ASH1 like histone lysine methyltransferase; minus strand). Cytogenetic location: 1q22.
Variant type: single nucleotide variant.
Coding change: c.183G>A on transcript NM_018489.3 (MANE Select); coding-DNA position 183, G replaced by A.
Protein change: p.Gly61=; no amino-acid change (glycine 61 retained).
Molecular consequence: synonymous variant.
Genome position (GRCh38, 1-based): chr1:155,521,337, C>T on the plus strand (G>A on the coding strand, the complement: ASH1L is on the minus strand). VCF-style: chr1-155521337-C-T. GRCh37 (hg19) VCF-style: chr1-155491128-C-T.
Other names: c.183G>A, p.Gly61= (NM_001366177.2).
Identifiers: ClinVar variation 4822100 (VCV004822100.4).

ClinVar aggregate classification (germline): Likely benign (1 of 4 stars; one submission).

gnomAD v4.1: 73 of 1,614,058 alleles (0.0045%); highest among the groups gnomAD compares: Non-Finnish European, 0.0058%; no homozygotes.

Submission:

CeGaT Center for Human Genetics Tuebingen
Classification: Likely benign. Last evaluated: 2026-03-01. Review status: criteria provided, single submitter. Criteria: CeGaT Center For Human Genetics Tuebingen Variant Classification Criteria Version 2. Collection method: clinical testing. Allele origin: germline. Affected: yes. Observed: 1 variant allele.
Comment: ASH1L: BP4, BP7